The following is an entry in ClinVar:

ClinVar aggregate classification (germline): Conflicting classifications of pathogenicity. Review status: criteria provided, conflicting classifications (1 of 4 stars). 8 submissions from 6 submitters: Uncertain significance (6); Likely benign (2). Last evaluated 2026-01-17.

Conditions:
Inborn genetic diseases. Identifiers: MedGen C0950123, MeSH D030342.
Cockayne syndrome type 2 (CSB). Also called: COCKAYNE SYNDROME B; Cockayne Syndrome, Type II. Identifiers: Orphanet 191, Orphanet 90322, MedGen C0751038, MONDO:0019570, OMIM 133540.
Age related macular degeneration 5. Identifiers: MedGen C3151063, MONDO:0013409, OMIM 613761.
Cerebrooculofacioskeletal syndrome 1 (COFS1). Also called: Cerebro-oculo-facio-skeletal syndrome 1. Identifiers: MedGen C0220722, MONDO:0008955, OMIM 214150.

Allele frequency attached by ClinVar (database versions not stated): ESP Exome Variant Server 0.00015; 1000 Genomes Project 30x 0.00016; gnomAD exomes 0.00017 and 0.00035; 1000 Genomes Project 0.00020; TOPMed 0.00022; gnomAD 0.00024 and 0.00025; ExAC 0.00026.

Submissions (8):

Labcorp Genetics (formerly Invitae), Labcorp
Classification: Likely benign. Last evaluated: 2026-01-17. Review status: criteria provided, single submitter. Criteria: Invitae Variant Classification Sherloc (09022015). Collection method: clinical testing. Allele origin: germline.

CeGaT Center for Human Genetics Tuebingen
Classification: Uncertain significance. Last evaluated: 2023-06-01. Review status: criteria provided, single submitter. Criteria: CeGaT Center For Human Genetics Tuebingen Variant Classification Criteria Version 2. Collection method: clinical testing. Allele origin: germline. Affected: yes. Observed: 1 variant allele.
Comment: ERCC6: PM2

Ambry Genetics
Classification: Likely benign for Inborn genetic diseases. Last evaluated: 2022-09-25. Review status: criteria provided, single submitter. Criteria: Ambry Variant Classification Scheme 2023. Collection method: clinical testing. Allele origin: germline.

Illumina Laboratory Services, Illumina
Classification: Uncertain significance for Cerebrooculofacioskeletal syndrome 1. Last evaluated: 2018-01-12. Review status: criteria provided, single submitter. Criteria: ICSL Variant Classification Criteria 13 December 2019. Collection method: clinical testing. Allele origin: germline.

Illumina Laboratory Services, Illumina
Classification: Uncertain significance for Age related macular degeneration 5. Last evaluated: 2018-01-12. Review status: criteria provided, single submitter. Criteria: ICSL Variant Classification Criteria 13 December 2019. Collection method: clinical testing. Allele origin: germline.

Illumina Laboratory Services, Illumina
Classification: Uncertain significance for Cockayne syndrome type 2. Last evaluated: 2018-01-12. Review status: criteria provided, single submitter. Criteria: ICSL Variant Classification Criteria 13 December 2019. Collection method: clinical testing. Allele origin: germline.

Eurofins Ntd Llc (ga)
Classification: Uncertain significance. Last evaluated: 2016-04-26. Review status: criteria provided, single submitter. Criteria: EGL Classification Definitions 2015. Collection method: clinical testing. Allele origin: germline. Observed: 1 variant allele, 1 heterozygote.

Claritas Genomics
Classification: Uncertain significance. Last evaluated: 2012-12-03. Review status: criteria provided, single submitter. Criteria: ACMG Guidelines, 2007. Collection method: clinical testing. Allele origin: germline. Inheritance: Autosomal recessive inheritance.

NM_000124.4(ERCC6):c.670C>T (p.Leu224Phe)

Gene: ERCC6 (ERCC excision repair 6, chromatin remodeling factor; minus strand). Cytogenetic location: 10q11.23.
Variant type: single nucleotide variant.
Coding change: c.670C>T on transcript NM_000124.4 (MANE Select); coding-DNA position 670, C replaced by T.
Protein change: p.Leu224Phe; replaces leucine 224 with phenylalanine.
Molecular consequence: missense variant.
Genome position (GRCh38, 1-based): chr10:49,524,760, G>A on the plus strand (C>T on the coding strand, the complement: ERCC6 is on the minus strand). VCF-style: chr10-49524760-G-A. GRCh37 (hg19) VCF-style: chr10-50732806-G-A.
Other names: c.670C>T, p.Leu224Phe (NM_001277058.2, NM_001277059.2, NM_001346440.2); c.670C>T (NM_000124.2); short protein forms L224F.
Identifiers: ClinVar variation 190174 (VCV000190174.45), dbSNP rs150935953, ClinGen allele CA199603.